The following is an entry in ClinVar:

NM_198576.4(AGRN):c.3539C>T (p.Ser1180Leu)

Gene: AGRN (agrin; plus strand). Cytogenetic location: 1p36.33.
Variant type: single nucleotide variant.
Coding change: c.3539C>T on transcript NM_198576.4 (MANE Select); coding-DNA position 3539, C replaced by T.
Protein change: p.Ser1180Leu; replaces serine 1180 with leucine.
Molecular consequence: missense variant.
Genome position (GRCh38, 1-based): chr1:1,047,595, C>T. VCF-style: chr1-1047595-C-T. GRCh37 (hg19) VCF-style: chr1-982975-C-T.
Other names: c.3539C>T, p.Ser1180Leu (NM_001305275.2); c.3224C>T, p.Ser1075Leu (NM_001364727.2); short protein forms S1075L, S1180L.
Identifiers: ClinVar variation 949018 (VCV000949018.8), dbSNP rs1645136422, ClinGen allele CA337850580.

ClinVar aggregate classification (germline): Uncertain significance (1 of 4 stars; one submission).

Conditions:
Congenital myasthenic syndrome 8. Also called: Myasthenic syndrome, congenital, 8, with pre- and postsynaptic defects; MYASTHENIC SYNDROME, CONGENITAL, DUE TO AGRIN DEFICIENCY. Identifiers: Orphanet 590, MedGen C3808739, MONDO:0014052, OMIM 615120.

Submission:

Labcorp Genetics (formerly Invitae), Labcorp
Classification: Uncertain significance for Congenital myasthenic syndrome 8. Last evaluated: 2023-04-27. Review status: criteria provided, single submitter. Criteria: Invitae Variant Classification Sherloc (09022015). Collection method: clinical testing. Allele origin: germline.
Comment: In summary, the available evidence is currently insufficient to determine the role of this variant in disease. Therefore, it has been classified as a Variant of Uncertain Significance. Experimental studies have shown that this missense change affects AGRN function (PMID: 32271162). An algorithm developed to predict the effect of missense changes on protein structure and function (PolyPhen-2) suggests that this variant is likely to be disruptive. ClinVar contains an entry for this variant (Variation ID: 949018). This missense change has been observed in individual(s) with congenital myasthenic syndrome (PMID: 32271162). This variant is not present in population databases (gnomAD no frequency). This sequence change replaces serine, which is neutral and polar, with leucine, which is neutral and non-polar, at codon 1180 of the AGRN protein (p.Ser1180Leu).

Literature cited by the submitters: PubMed 32271162.